The following is an entry in ClinVar:

ClinVar aggregate classification (germline): Likely benign (1 of 4 stars; one submission).

Submission:

CeGaT Center for Human Genetics Tuebingen
Classification: Likely benign. Last evaluated: 2022-12-01. Review status: criteria provided, single submitter. Criteria: CeGaT Center For Human Genetics Tuebingen Variant Classification Criteria Version 2. Collection method: clinical testing. Allele origin: germline. Affected: yes. Observed: 1 variant allele.
Comment: MYBL1: BP4, BP7

NM_001080416.4(MYBL1):c.204C>T (p.Arg68=)

Gene: MYBL1 (MYB proto-oncogene like 1; minus strand). Cytogenetic location: 8q13.1.
Variant type: single nucleotide variant.
Coding change: c.204C>T on transcript NM_001080416.4 (MANE Select); coding-DNA position 204, C replaced by T.
Protein change: p.Arg68=; no amino-acid change (arginine 68 retained).
Molecular consequence: synonymous variant.
Genome position (GRCh38, 1-based): chr8:66,599,137, G>A on the plus strand (C>T on the coding strand, the complement: MYBL1 is on the minus strand). VCF-style: chr8-66599137-G-A. GRCh37 (hg19) VCF-style: chr8-67511372-G-A.
Other names: c.204C>T, p.Arg68= (NM_001144755.3, NM_001294282.2).
Identifiers: ClinVar variation 2658634 (VCV002658634.24), dbSNP rs376621725, ClinGen allele CA461163229.
Genomic context (GRCh38, chr8:66,599,137, plus strand): 5'-ACCCTTTATCAATTCAGGATTTAAAACTTTCTGCCATCGATGCTGGCACTGAAAATCAGA[G>A]CGATTCTGAAAAAATTTAGAAGATTTTGTTATTAAACAACTGTCTTCCAGAAAGCAAGTC-3'
Protein context (NP_001073885.1, residues 58-78): WTLIASHLQN[Arg68=]SDFQCQHRWQ